The following is an entry in ClinVar:

ClinVar aggregate classification (germline): Uncertain significance (1 of 4 stars; one submission).

Conditions:
Emery-Dreifuss muscular dystrophy 4, autosomal dominant (EDMD4). Also called: EMERY-DREIFUSS MUSCULAR DYSTROPHY 4 WITH VARIABLE FEATURES. Identifiers: Orphanet 261, MedGen C2751807, MONDO:0013071, OMIM 612998.
Autosomal recessive ataxia, Beauce type. Also called: SYNE1 Deficiency; Spinocerebellar ataxia, autosomal recessive 8; ATAXIA, RECESSIVE, OF BEAUCE; SYNE1-Related Autosomal Recessive Cerebellar Ataxia. Identifiers: Orphanet 88644, MedGen C1853116, MONDO:0012549, OMIM 610743.

Allele frequency attached by ClinVar (database versions not stated): gnomAD exomes below 0.00001; gnomAD 0.00001; TOPMed 0.00003.

Submission:

Labcorp Genetics (formerly Invitae), Labcorp
Classification: Uncertain significance for Emery-Dreifuss muscular dystrophy 4, autosomal dominant; Autosomal recessive ataxia, Beauce type. Last evaluated: 2023-03-08. Review status: criteria provided, single submitter. Criteria: Invitae Variant Classification Sherloc (09022015). Collection method: clinical testing. Allele origin: germline.
Comment: This sequence change replaces leucine, which is neutral and non-polar, with proline, which is neutral and non-polar, at codon 2993 of the SYNE1 protein (p.Leu2993Pro). This variant is present in population databases (no rsID available, gnomAD 0.0009%). This variant has not been reported in the literature in individuals affected with SYNE1-related conditions. ClinVar contains an entry for this variant (Variation ID: 2079900). An algorithm developed to predict the effect of missense changes on protein structure and function (PolyPhen-2) suggests that this variant is likely to be tolerated. In summary, the available evidence is currently insufficient to determine the role of this variant in disease. Therefore, it has been classified as a Variant of Uncertain Significance.

NM_182961.4(SYNE1):c.8957T>C (p.Leu2986Pro)

Genes: SYNE1 (spectrin repeat containing nuclear envelope protein 1; minus strand), SYNE1-AS1 (SYNE1 antisense RNA 1; plus strand). Cytogenetic location: 6q25.2.
Variant type: single nucleotide variant.
Coding change: c.8957T>C on transcript NM_182961.4 (MANE Select); coding-DNA position 8957, T replaced by C.
Protein change: p.Leu2986Pro; replaces leucine 2986 with proline.
Molecular consequence: missense variant.
Genome position (GRCh38, 1-based): chr6:152,381,058, A>G on the plus strand (T>C on the coding strand, the complement: SYNE1 is on the minus strand). VCF-style: chr6-152381058-A-G. GRCh37 (hg19) VCF-style: chr6-152702193-A-G.
Other names: c.8978T>C, p.Leu2993Pro (NM_033071.5); short protein forms L2993P, L2986P.
Identifiers: ClinVar variation 2079900 (VCV002079900.4), dbSNP rs1288080842, ClinGen allele CA366143762.